The following is an entry in ClinVar:

ClinVar aggregate classification (germline): Uncertain significance (1 of 4 stars; one submission).

Conditions:
Amyotrophic lateral sclerosis type 21. Also called: MYOPATHY, DISTAL, 2; VOCAL CORD AND PHARYNGEAL DYSFUNCTION WITH DISTAL MYOPATHY. Identifiers: Orphanet 600, Orphanet 803, MedGen C3807521, MONDO:0011632, OMIM 606070.

Allele frequency attached by ClinVar (database versions not stated): ExAC 0.00001.

Submission:

Labcorp Genetics (formerly Invitae), Labcorp
Classification: Uncertain significance for Amyotrophic lateral sclerosis type 21. Last evaluated: 2022-04-13. Review status: criteria provided, single submitter. Criteria: Invitae Variant Classification Sherloc (09022015). Collection method: clinical testing. Allele origin: germline.
Comment: This sequence change replaces methionine, which is neutral and non-polar, with valine, which is neutral and non-polar, at codon 548 of the MATR3 protein (p.Met548Val). In summary, the available evidence is currently insufficient to determine the role of this variant in disease. Therefore, it has been classified as a Variant of Uncertain Significance. Algorithms developed to predict the effect of missense changes on protein structure and function are either unavailable or do not agree on the potential impact of this missense change (SIFT: "Deleterious"; PolyPhen-2: "Possibly Damaging"; Align-GVGD: "Class C0"). This variant has not been reported in the literature in individuals affected with MATR3-related conditions. This variant is present in population databases (rs770163739, gnomAD 0.0009%).

NM_018834.6(MATR3):c.1642A>G (p.Met548Val)

Gene: MATR3 (matrin 3; plus strand). Cytogenetic location: 5q31.2.
Variant type: single nucleotide variant.
Coding change: c.1642A>G on transcript NM_018834.6 (MANE Select); coding-DNA position 1642, A replaced by G.
Protein change: p.Met548Val; replaces methionine 548 with valine.
Molecular consequence: missense variant.
Genome position (GRCh38, 1-based): chr5:139,321,937, A>G. VCF-style: chr5-139321937-A-G. GRCh37 (hg19) VCF-style: chr5-138657626-A-G.
Other names: c.1642A>G, p.Met548Val (NM_001400453.1, NM_001400454.1, NM_001400455.1 and 16 more transcripts); c.781A>G, p.Met261Val (NM_001400459.1); c.628A>G, p.Met210Val (NM_001400460.1, NM_001400462.1, NM_001400463.1 and 5 more transcripts); c.742A>G, p.Met248Val (NM_001400461.1); c.778A>G, p.Met260Val (NM_001194956.2); short protein forms M261V, M548V, M210V, M248V, M260V.
Identifiers: ClinVar variation 2058132 (VCV002058132.4), dbSNP rs770163739, ClinGen allele CA3433206.
Genomic context (GRCh38, chr5:139,321,937, plus strand): 5'-TTTCTTTTCTTTCTTTTTAAGGCTTTTATTGAGATGGAGACAAGAGAAGATGCAATGGCA[A>G]TGGTTGACCATTGTTTGAAAAAAGCCCTTTGGTTTCAGGGGAGATGTGTGAAGGTTGACC-3'
Protein context (NP_061322.2, residues 538-558): EMETREDAMA[Met548Val]VDHCLKKALW